The following is an entry in ClinVar:

NM_030958.3(SLCO5A1):c.496G>A (p.Glu166Lys)

Gene: SLCO5A1 (solute carrier organic anion transporter family member 5A1; minus strand). Cytogenetic location: 8q13.3.
Variant type: single nucleotide variant.
Coding change: c.496G>A on transcript NM_030958.3 (MANE Select); coding-DNA position 496, G replaced by A.
Protein change: p.Glu166Lys; replaces glutamic acid 166 with lysine.
Molecular consequence: missense variant.
Genome position (GRCh38, 1-based): chr8:69,832,178, C>T on the plus strand (G>A on the coding strand, the complement: SLCO5A1 is on the minus strand). VCF-style: chr8-69832178-C-T. GRCh37 (hg19) VCF-style: chr8-70744413-C-T.
Other names: c.496G>A, p.Glu166Lys (NM_001146008.2, NM_001146009.1); short protein forms E166K.
Identifiers: ClinVar variation 3726305 (VCV003726305.2).
Genomic context (GRCh38, chr8:69,832,178, plus strand): 5'-TGACGAACACCACCACCACCAGGTTCCCGATGTCAAAGCAGCTGACCAGCAGCCCCGACT[C>T]GGAACTCTTCAGACTGTAGCGCCTTTCAATGGTGGTAATTACGCTGCTCAGGTACCCAGA-3'
Protein context (NP_112220.2, residues 156-176): IERRYSLKSS[Glu166Lys]SGLLVSCFDI

ClinVar aggregate classification (germline): Uncertain significance (1 of 4 stars; one submission).

Submission:

Labcorp Genetics (formerly Invitae), Labcorp
Classification: Uncertain significance. Last evaluated: 2024-12-03. Review status: criteria provided, single submitter. Criteria: Invitae Variant Classification Sherloc (09022015). Collection method: clinical testing. Allele origin: germline.
Comment: This sequence change replaces glutamic acid, which is acidic and polar, with lysine, which is basic and polar, at codon 166 of the SLCO5A1 protein (p.Glu166Lys). This variant is not present in population databases (gnomAD no frequency). This variant has not been reported in the literature in individuals affected with SLCO5A1-related conditions. An algorithm developed to predict the effect of missense changes on protein structure and function (PolyPhen-2) suggests that this variant is likely to be disruptive. In summary, the available evidence is currently insufficient to determine the role of this variant in disease. Therefore, it has been classified as a Variant of Uncertain Significance.